The following is an entry in ClinVar:

ClinVar aggregate classification (germline): Likely benign. Review status: criteria provided, multiple submitters, no conflicts (2 of 4 stars). 4 submissions from 4 submitters: Likely benign (4). Last evaluated 2025-11-12.

Conditions:
Hereditary cancer-predisposing syndrome. Also called: Hereditary neoplastic syndrome; Neoplastic Syndromes, Hereditary; Hereditary Cancer Syndrome; Tumor predisposition. Identifiers: Orphanet 140162, MedGen C0027672, MeSH D009386, MONDO:0015356.
PTCH1-related disorder. Also called: PTCH1-related disorders; PTCH1-related condition.
Gorlin syndrome. Also called: Nevoid Basal Cell Carcinoma Syndrome; Basal cell nevus syndrome. Identifiers: Orphanet 377, MedGen C0004779, MONDO:0007187.

Allele frequency attached by ClinVar (database versions not stated): gnomAD 0.00001; TOPMed 0.00003.

Submissions (4):

Labcorp Genetics (formerly Invitae), Labcorp
Classification: Likely benign for Gorlin syndrome. Last evaluated: 2025-11-12. Review status: criteria provided, single submitter. Criteria: Invitae Variant Classification Sherloc (09022015). Collection method: clinical testing. Allele origin: germline.

PreventionGenetics, part of Exact Sciences
Classification: Likely benign for PTCH1-related condition. Last evaluated: 2024-10-27. Review status: criteria provided, single submitter. Criteria: ACMG Guidelines, 2015. Collection method: clinical testing. Allele origin: germline.
Comment: This variant is classified as likely benign based on ACMG/AMP sequence variant interpretation guidelines (Richards et al. 2015 PMID: 25741868, with internal and published modifications).

CeGaT Center for Human Genetics Tuebingen
Classification: Likely benign. Last evaluated: 2023-11-01. Review status: criteria provided, single submitter. Criteria: CeGaT Center For Human Genetics Tuebingen Variant Classification Criteria Version 2. Collection method: clinical testing. Allele origin: germline. Affected: yes. Observed: 1 variant allele.
Comment: PTCH1: BP4, BP7

Ambry Genetics
Classification: Likely benign for Hereditary cancer-predisposing syndrome. Last evaluated: 2020-07-22. Review status: criteria provided, single submitter. Criteria: Ambry Variant Classification Scheme 2023. Collection method: clinical testing. Allele origin: germline.

NM_000264.5(PTCH1):c.2334G>A (p.Thr778=)

Genes: PTCH1 (patched 1; minus strand), LOC100507346 (uncharacterized LOC100507346; plus strand). Cytogenetic location: 9q22.32.
Variant type: single nucleotide variant.
Coding change: c.2334G>A on transcript NM_000264.5 (MANE Select); coding-DNA position 2334, G replaced by A.
Protein change: p.Thr778=; no amino-acid change (threonine 778 retained).
Molecular consequence: synonymous variant. On other transcripts: non-coding transcript variant (1).
Genome position (GRCh38, 1-based): chr9:95,467,342, C>T on the plus strand (G>A on the coding strand, the complement: PTCH1 is on the minus strand). VCF-style: chr9-95467342-C-T. GRCh37 (hg19) VCF-style: chr9-98229624-C-T.
Other names: c.2136G>A, p.Thr712= (NM_001083602.3); c.2331G>A, p.Thr777= (NM_001083603.3); c.1881G>A, p.Thr627= (NM_001083604.3, NM_001083605.3, NM_001083606.3 and 1 more transcripts); c.2178G>A, p.Thr726= (NM_001354918.2).
Identifiers: ClinVar variation 453819 (VCV000453819.40), dbSNP rs1369922802, ClinGen allele CA466352063.